The following is an entry in ClinVar:

ClinVar aggregate classification (germline): Uncertain significance (1 of 4 stars; one submission).

Conditions:
Emery-Dreifuss muscular dystrophy 5, autosomal dominant (EDMD5). Also called: EMERY-DREIFUSS MUSCULAR DYSTROPHY 5. Identifiers: Orphanet 261, MedGen C2751805, MONDO:0013072, OMIM 612999.

gnomAD v4.1: 2 of 1,614,156 alleles (0.00012%); highest among the groups gnomAD compares: Non-Finnish European, 0.00017%; no homozygotes.

Submission:

Labcorp Genetics (formerly Invitae), Labcorp
Classification: Uncertain significance for Emery-Dreifuss muscular dystrophy 5, autosomal dominant. Last evaluated: 2024-06-08. Review status: criteria provided, single submitter. Criteria: Invitae Variant Classification Sherloc (09022015). Collection method: clinical testing. Allele origin: germline.
Comment: This sequence change replaces methionine, which is neutral and non-polar, with isoleucine, which is neutral and non-polar, at codon 2353 of the SYNE2 protein (p.Met2353Ile). This variant is not present in population databases (gnomAD no frequency). This variant has not been reported in the literature in individuals affected with SYNE2-related conditions. An algorithm developed to predict the effect of missense changes on protein structure and function (PolyPhen-2) suggests that this variant is likely to be tolerated. In summary, the available evidence is currently insufficient to determine the role of this variant in disease. Therefore, it has been classified as a Variant of Uncertain Significance.

NM_182914.3(SYNE2):c.7059G>A (p.Met2353Ile)

Gene: SYNE2 (spectrin repeat containing nuclear envelope protein 2; plus strand). Cytogenetic location: 14q23.2.
Variant type: single nucleotide variant.
Coding change: c.7059G>A on transcript NM_182914.3 (MANE Select); coding-DNA position 7059, G replaced by A.
Protein change: p.Met2353Ile; replaces methionine 2353 with isoleucine.
Molecular consequence: missense variant.
Genome position (GRCh38, 1-based): chr14:64,031,195, G>A. VCF-style: chr14-64031195-G-A. GRCh37 (hg19) VCF-style: chr14-64497913-G-A.
Other names: c.7059G>A, p.Met2353Ile (NM_015180.6); short protein forms M2353I.
Identifiers: ClinVar variation 3607746 (VCV003607746.2).